The following is an entry in ClinVar:

NM_001308210.2(TSHZ1):c.2518A>G (p.Ile840Val)

Gene: TSHZ1 (teashirt zinc finger homeobox 1; plus strand). Cytogenetic location: 18q22.3.
Variant type: single nucleotide variant.
Coding change: c.2518A>G on transcript NM_001308210.2 (MANE Select); coding-DNA position 2518, A replaced by G.
Protein change: p.Ile840Val; replaces isoleucine 840 with valine.
Molecular consequence: missense variant.
Genome position (GRCh38, 1-based): chr18:75,287,925, A>G. VCF-style: chr18-75287925-A-G. GRCh37 (hg19) VCF-style: chr18-72999880-A-G.
Other names: c.2383A>G, p.Ile795Val (NM_005786.6); c.2383A>G (NM_005786.5); short protein forms I840V, I795V.
Identifiers: ClinVar variation 3974821 (VCV003974821.2).

ClinVar aggregate classification (germline): Uncertain significance. Review status: criteria provided, multiple submitters, no conflicts (2 of 4 stars). 2 submissions from 2 submitters: Uncertain significance (2). Last evaluated 2026-03-24.

Conditions:
TSHZ1-related disorder. Also called: TSHZ1-related condition.

Submissions (2):

PreventionGenetics, part of Exact Sciences
Classification: Uncertain significance for TSHZ1-related condition. Last evaluated: 2026-03-24. Review status: criteria provided, single submitter. Criteria: ACMG Guidelines, 2015. Collection method: clinical testing. Allele origin: germline.
Comment: The TSHZ1 c.2383A>G variant is predicted to result in the amino acid substitution p.Ile795Val. To our knowledge, this variant has not been reported in the literature or in a large population database (gnomAD), indicating this variant is rare. At this time, the clinical significance of this variant is uncertain due to the absence of conclusive functional and genetic evidence.

Ambry Genetics
Classification: Uncertain significance. Last evaluated: 2025-04-29. Review status: criteria provided, single submitter. Criteria: Ambry Variant Classification Scheme 2023. Collection method: clinical testing. Allele origin: germline.